The following is an entry in ClinVar:

NM_000535.7(PMS2):c.371C>T (p.Thr124Ile)

Gene: PMS2 (PMS1 homolog 2, mismatch repair system component; minus strand). Cytogenetic location: 7p22.1.
Variant type: single nucleotide variant.
Coding change: c.371C>T on transcript NM_000535.7 (MANE Select); coding-DNA position 371, C replaced by T.
Protein change: p.Thr124Ile; replaces threonine 124 with isoleucine.
Molecular consequence: missense variant. On other transcripts: 5 prime UTR variant (8), non-coding transcript variant (1).
Genome position (GRCh38, 1-based): chr7:6,002,619, G>A on the plus strand (C>T on the coding strand, the complement: PMS2 is on the minus strand). VCF-style: chr7-6002619-G-A. GRCh37 (hg19) VCF-style: chr7-6042250-G-A.
Other names: c.-35C>T (NM_001322003.2, NM_001322004.2, NM_001322005.2 and 3 more transcripts); c.371C>T, p.Thr124Ile (NM_001322006.2, NM_001322014.2); c.53C>T, p.Thr18Ile (NM_001322007.2, NM_001322008.2); c.-514C>T (NM_001322011.2, NM_001322012.2); c.62C>T, p.Thr21Ile (NM_001322015.2); short protein forms T124I, T21I, T18I.
Identifiers: ClinVar variation 525717 (VCV000525717.11), dbSNP rs1034709810, ClinGen allele CA366744481.
Genomic context (GRCh38, chr7:6,002,619, plus strand): 5'-ATAATTTTCCCATTGTGATCAAACATCAGTCGAGTTCCAACCTTCGCCGATGCGTGGCAG[G>A]TAGAAATGGTGACATCGCTGTGAGAGAATACCAGGCATGGTGTGTTCAGTGAGAGACCCA-3'
Protein context (NP_000526.2, residues 114-134): LCALSDVTIS[Thr124Ile]CHASAKVGTR

ClinVar aggregate classification (germline): Uncertain significance. Review status: criteria provided, multiple submitters, no conflicts (2 of 4 stars). 2 submissions from 2 submitters: Uncertain significance (2). Last evaluated 2023-10-19.

Conditions:
Hereditary nonpolyposis colorectal neoplasms. Identifiers: MedGen C0009405, MeSH D003123.
Lynch syndrome. Identifiers: Orphanet 144, MedGen C4552100, MONDO:0005835. Disease mechanism: loss of function.

Submissions (2):

Labcorp Genetics (formerly Invitae), Labcorp
Classification: Uncertain significance for Hereditary nonpolyposis colorectal neoplasms. Last evaluated: 2023-10-19. Review status: criteria provided, single submitter. Criteria: Invitae Variant Classification Sherloc (09022015). Collection method: clinical testing. Allele origin: germline.
Comment: This sequence change replaces threonine, which is neutral and polar, with isoleucine, which is neutral and non-polar, at codon 124 of the PMS2 protein (p.Thr124Ile). This variant is not present in population databases (gnomAD no frequency). This variant has not been reported in the literature in individuals affected with PMS2-related conditions. ClinVar contains an entry for this variant (Variation ID: 525717). Advanced modeling of protein sequence and biophysical properties (such as structural, functional, and spatial information, amino acid conservation, physicochemical variation, residue mobility, and thermodynamic stability) performed at Invitae indicates that this missense variant is expected to disrupt PMS2 protein function. In summary, the available evidence is currently insufficient to determine the role of this variant in disease. Therefore, it has been classified as a Variant of Uncertain Significance.

All of Us Research Program, National Institutes of Health
Classification: Uncertain significance for Lynch syndrome. Last evaluated: 2023-08-08. Review status: criteria provided, single submitter. Criteria: ACMG Guidelines, 2015. Collection method: clinical testing. Allele origin: germline. Inheritance: Autosomal dominant inheritance. Observed: 1 variant allele, 1 heterozygote.
Comment: This missense variant replaces threonine with isoleucine at codon 124 of the PMS2 protein. Computational prediction suggests that this variant may have deleterious impact on protein structure and function (internally defined REVEL score threshold >= 0.7, PMID: 27666373). To our knowledge, functional studies have not been reported for this variant. This variant has not been reported in individuals affected with PMS2-related disorders in the literature. This variant has not been identified in the general population by the Genome Aggregation Database (gnomAD). The available evidence is insufficient to determine the role of this variant in disease conclusively. Therefore, this variant is classified as a Variant of Uncertain Significance.

This study involves interpretation of variants in research participants for the purpose of population health screening. Participant phenotype was not available at the time of variant classification. Additional details can be found in publication PMID: 35346344, PMCID: PMC8962531